The following is an entry in ClinVar:

ClinVar aggregate classification (germline): Likely benign. Review status: criteria provided, multiple submitters, no conflicts (2 of 4 stars). 2 submissions from 2 submitters: Likely benign (2). Last evaluated 2026-02-12.

Conditions:
Distal hereditary motor neuropathy type 2. Identifiers: Orphanet 139525, MedGen C3711384, MeSH C580044, MONDO:0015352.
FBXO38-related disorder. Also called: FBXO38-related condition.

Allele frequency attached by ClinVar (database versions not stated): gnomAD exomes 0.00002 and 0.00004; ExAC 0.00005; ESP Exome Variant Server 0.00015; gnomAD 0.00021 and 0.00025; TOPMed 0.00021; 1000 Genomes Project 0.00040; 1000 Genomes Project 30x 0.00047.
gnomAD v4.1: 58 of 1,608,164 alleles (0.0036%); highest among the groups gnomAD compares: African/African-American, 0.062%; no homozygotes.

Submissions (2):

PreventionGenetics, part of Exact Sciences
Classification: Likely benign for FBXO38-related condition. Last evaluated: 2026-02-12. Review status: criteria provided, single submitter. Criteria: ACMG Guidelines, 2015. Collection method: clinical testing. Allele origin: germline.
Comment: This variant is classified as likely benign based on ACMG/AMP sequence variant interpretation guidelines (Richards et al. 2015 PMID: 25741868, with internal and published modifications).

Labcorp Genetics (formerly Invitae), Labcorp
Classification: Likely benign for Distal hereditary motor neuropathy type 2. Last evaluated: 2024-09-18. Review status: criteria provided, single submitter. Criteria: Invitae Variant Classification Sherloc (09022015). Collection method: clinical testing. Allele origin: germline.

NM_205836.3(FBXO38):c.3393T>C (p.Thr1131=)

Gene: FBXO38 (F-box protein 38; plus strand). Cytogenetic location: 5q32.
Variant type: single nucleotide variant.
Coding change: c.3393T>C on transcript NM_205836.3 (MANE Select); coding-DNA position 3393, T replaced by C.
Protein change: p.Thr1131=; no amino-acid change (threonine 1131 retained).
Molecular consequence: synonymous variant.
Genome position (GRCh38, 1-based): chr5:148,441,973, T>C. VCF-style: chr5-148441973-T-C. GRCh37 (hg19) VCF-style: chr5-147821536-T-C.
Other names: c.2658T>C, p.Thr886= (NM_001271723.2); c.3168T>C, p.Thr1056= (NM_030793.5).
Identifiers: ClinVar variation 767638 (VCV000767638.13), dbSNP rs148901341, ClinGen allele CA3497746.